The following is an entry in ClinVar:

ClinVar aggregate classification (germline): Uncertain significance (1 of 4 stars; one submission).

Conditions:
Early-infantile DEE. Also called: Early infantile epileptic encephalopathy with suppression bursts; Early infantile epileptic encephalopathy; Ohtahara syndrome. Identifiers: Orphanet 1934, MedGen C0393706, MONDO:0800491.

Submission:

Labcorp Genetics (formerly Invitae), Labcorp
Classification: Uncertain significance for Early-infantile DEE. Last evaluated: 2025-08-30. Review status: criteria provided, single submitter. Criteria: Invitae Variant Classification Sherloc (09022015). Collection method: clinical testing. Allele origin: germline.
Comment: This sequence change replaces glutamine, which is neutral and polar, with leucine, which is neutral and non-polar, at codon 267 of the SCN1A protein (p.Gln267Leu). This variant is not present in population databases (gnomAD no frequency). This variant has not been reported in the literature in individuals affected with SCN1A-related conditions. Invitae Evidence Modeling of protein sequence and biophysical properties (such as structural, functional, and spatial information, amino acid conservation, physicochemical variation, residue mobility, and thermodynamic stability) indicates that this missense variant is expected to disrupt SCN1A protein function with a positive predictive value of 95%. In summary, the available evidence is currently insufficient to determine the role of this variant in disease. Therefore, it has been classified as a Variant of Uncertain Significance.

NM_001165963.4(SCN1A):c.800A>T (p.Gln267Leu)

Gene: SCN1A (sodium voltage-gated channel alpha subunit 1; minus strand). Cytogenetic location: 2q24.3.
Variant type: single nucleotide variant.
Coding change: c.800A>T on transcript NM_001165963.4 (MANE Select); coding-DNA position 800, A replaced by T.
Protein change: p.Gln267Leu; replaces glutamine 267 with leucine.
Molecular consequence: missense variant. On other transcripts: 5 prime UTR variant (1), non-coding transcript variant (1).
Genome position (GRCh38, 1-based): chr2:166,051,883, T>A on the plus strand (A>T on the coding strand, the complement: SCN1A is on the minus strand). VCF-style: chr2-166051883-T-A. GRCh37 (hg19) VCF-style: chr2-166908393-T-A.
Other names: c.800A>T, p.Gln267Leu (NM_001165964.3, NM_001202435.3, NM_001353948.2 and 10 more transcripts); c.-1626A>T (NM_001353961.2); short protein forms Q267L.
Identifiers: ClinVar variation 4800297 (VCV004800297.1).
Genomic context (GRCh38, chr2:166,051,883, plus strand): 5'-AAGGAAGCATTGGTGGGAGGCCATTGTATACATTTATTCCTCAGGTTGCCCATGAACAGC[T>A]GCAGCCCAATTAGAGCAAATACGCTCAGACAGAACACAGTCAGGATCATTACATCTGAGA-3'
Protein context (NP_001159435.1, residues 257-277): CLSVFALIGL[Gln267Leu]LFMGNLRNKC